The following is an entry in ClinVar:

NM_000540.3(RYR1):c.14531T>C (p.Leu4844Pro)

Gene: RYR1 (ryanodine receptor 1; plus strand). Cytogenetic location: 19q13.2.
Variant type: single nucleotide variant.
Coding change: c.14531T>C on transcript NM_000540.3 (MANE Select); coding-DNA position 14531, T replaced by C.
Protein change: p.Leu4844Pro; replaces leucine 4844 with proline.
Molecular consequence: missense variant.
Genome position (GRCh38, 1-based): chr19:38,580,389, T>C. VCF-style: chr19-38580389-T-C. GRCh37 (hg19) VCF-style: chr19-39071029-T-C.
Other names: c.14516T>C, p.Leu4839Pro (NM_001042723.2); short protein forms L4839P, L4844P.
Identifiers: ClinVar variation 2121652 (VCV002121652.5), dbSNP rs2514751679, ClinGen allele CA405687613.

ClinVar aggregate classification (germline): Conflicting classifications of pathogenicity. Review status: criteria provided, conflicting classifications (1 of 4 stars). 2 submissions from 2 submitters: Likely pathogenic (1); Uncertain significance (1). Last evaluated 2022-04-04.

Conditions:
Central core myopathy (CMYO1A). Also called: Central core disease; Myopathy, central fibrillar; CONGENITAL MYOPATHY 1A, AUTOSOMAL DOMINANT, WITH SUSCEPTIBILITY TO MALIGNANT HYPERTHERMIA. Identifiers: Orphanet 597, MedGen C5830701, MONDO:0007294, OMIM 117000.
RYR1-related disorder. Also called: RYR1-related condition; RYR1-related disorders. Identifiers: MedGen CN239331.

Submissions (2):

Labcorp Genetics (formerly Invitae), Labcorp
Classification: Uncertain significance for RYR1-related disorder. Last evaluated: 2022-04-04. Review status: criteria provided, single submitter. Criteria: Invitae Variant Classification Sherloc (09022015). Collection method: clinical testing. Allele origin: germline.
Comment: This sequence change replaces leucine, which is neutral and non-polar, with proline, which is neutral and non-polar, at codon 4844 of the RYR1 protein (p.Leu4844Pro). This variant is not present in population databases (gnomAD no frequency). This variant has not been reported in the literature in individuals affected with RYR1-related conditions. Advanced modeling of protein sequence and biophysical properties (such as structural, functional, and spatial information, amino acid conservation, physicochemical variation, residue mobility, and thermodynamic stability) performed at Invitae indicates that this missense variant is expected to disrupt RYR1 protein function. In summary, the available evidence is currently insufficient to determine the role of this variant in disease. Therefore, it has been classified as a Variant of Uncertain Significance.

Clinical Biomedical Laboratory, Shriners Hospital For Children - Canada
Classification: Likely pathogenic for Central core myopathy. Review status: criteria provided, single submitter. Criteria: ACMG Guidelines, 2015. Collection method: clinical testing. Allele origin: germline. Affected: yes.
Comment: This variant is predicted to substitute a leucine residue by a proline residue in RYR1. This variant is absent in the Genome Aggregation Database (gnomAD v2.1.1), indicating it is very rare. Computational tools (REVEL: 0.973) suggest that the amino acid change is deleterious to protein function. The gene is associated with congenital myopathy 1A, which has significant overlap with the the phenotype of the proband. Based on the ACMG variant interpretation guidelines (criteria: PM2, PP2, PP3), the available evidence supports classification of this variant as likely pathogenic.